The following is an entry in ClinVar:

NM_000218.3(KCNQ1):c.1514+734C>T

Genes: KCNQ1 (potassium voltage-gated channel subfamily Q member 1; plus strand), KCNQ1OT1 (KCNQ1 opposite strand/antisense transcript 1; minus strand). Cytogenetic location: 11p15.5.
Variant type: single nucleotide variant.
Coding change: c.1514+734C>T on transcript NM_000218.3 (MANE Select); 734 bases into the intron after coding-DNA position 1514, C replaced by T.
Molecular consequence: intron variant.
Genome position (GRCh38, 1-based): chr11:2,662,815, C>T. VCF-style: chr11-2662815-C-T. GRCh37 (hg19) VCF-style: chr11-2684045-C-T.
Other names: c.1244+734C>T (NM_001406837.1); c.1418+734C>T (NM_001406836.1); c.974+734C>T (NM_001406838.1); c.1133+734C>T (NM_181798.2).
Identifiers: ClinVar variation 1701160 (VCV001701160.31), dbSNP rs562420571, ClinGen allele CA216171855.

ClinVar aggregate classification (germline): Likely benign (1 of 4 stars; one submission).

Allele frequency attached by ClinVar (database versions not stated): 1000 Genomes Project 0.00040; 1000 Genomes Project 30x 0.00047; TOPMed 0.00184; gnomAD 0.00206 and 0.00210; gnomAD exomes 0.00275.
gnomAD v4.1: 975 of 398,896 alleles (0.24%); highest among the groups gnomAD compares: Non-Finnish European, 0.34%; 3 homozygotes.

Submission:

CeGaT Center for Human Genetics Tuebingen
Classification: Likely benign. Last evaluated: 2026-09-01. Review status: criteria provided, single submitter. Criteria: CeGaT Center For Human Genetics Tuebingen Variant Classification Criteria Version 2. Collection method: clinical testing. Allele origin: germline. Affected: yes. Observed: 18 variant alleles.
Comment: KCNQ1OT1: BS2